The following is an entry in ClinVar:

NM_024675.4(PALB2):c.3351-2A>T

Gene: PALB2 (partner and localizer of BRCA2; minus strand). Cytogenetic location: 16p12.2.
Variant type: single nucleotide variant.
Coding change: c.3351-2A>T on transcript NM_024675.4 (MANE Select); the canonical splice acceptor site of the intron before coding-DNA position 3351, A replaced by T.
Molecular consequence: splice acceptor variant.
Genome position (GRCh38, 1-based): chr16:23,603,671, T>A on the plus strand (A>T on the coding strand, the complement: PALB2 is on the minus strand). VCF-style: chr16-23603671-T-A. GRCh37 (hg19) VCF-style: chr16-23614992-T-A.
Other names: c.2229-2A>T (NM_001407308.1, NM_001407309.1); c.2466-2A>T (NM_001407306.1, NM_001407305.1, NM_001407304.1); c.885-2A>T (NM_001407314.1); c.1414-2A>T (NM_001407313.1); c.1563-2A>T (NM_001407312.1); c.3291-2A>T (NM_001407296.1); c.3279-2A>T (NM_001407297.1); c.3040-2A>T (NM_001407302.1); and 6 more.
Identifiers: ClinVar variation 1713229 (VCV001713229.34), dbSNP rs1060502764, ClinGen allele CA395138435.

ClinVar aggregate classification (germline): Conflicting classifications of pathogenicity. Review status: criteria provided, conflicting classifications (1 of 4 stars). 3 submissions from 3 submitters: Likely pathogenic (1); Uncertain significance (1). 1 of the submissions does not count toward it. Last evaluated 2026-07-24.

Conditions:
Hereditary cancer-predisposing syndrome. Also called: Hereditary neoplastic syndrome; Tumor predisposition; Neoplastic Syndromes, Hereditary; Hereditary Cancer Syndrome. Identifiers: Orphanet 140162, MedGen C0027672, MeSH D009386, MONDO:0015356.
Hereditary breast ovarian cancer syndrome. Also called: Hereditary breast and ovarian cancer syndrome (HBOC); Hereditary breast and/or ovarian cancer syndrome; BRCA1- and BRCA2-Associated Hereditary Breast and Ovarian Cancer; Hereditary breast and ovarian cancer syndrome; Hereditary breast and ovarian cancer; Breast and ovarian cancer. Identifiers: Orphanet 145, MedGen C0677776, MeSH D061325, MONDO:0003582. Disease mechanism: loss of function.

Submissions (3):

Ambry Genetics
Classification: Likely pathogenic for Hereditary cancer-predisposing syndrome. Last evaluated: 2026-07-24. Review status: criteria provided, single submitter. Criteria: Ambry Variant Classification Scheme 2023. Collection method: clinical testing. Allele origin: germline.
Comment: The c.3351-2A>T intronic variant results from a A to T substitution two nucleotides upstream from coding exon 13 of the PALB2 gene. This variant is considered to be rare based on population cohorts in the Genome Aggregation Database (gnomAD). This nucleotide position is highly conserved in available vertebrate species. In silico splice site analysis predicts that this alteration will weaken the native splice acceptor site and may result in the creation or strengthening of a novel splice acceptor site.; however direct evidence is insufficient at this time (Ambry internal data). Alterations that disrupt the canonical splice site are expected to cause aberrant splicing, resulting in an abnormal protein or a transcript that is subject to nonsense-mediated mRNA decay. As such, this alteration is classified as likely pathogenic.

CeGaT Center for Human Genetics Tuebingen
Classification: Uncertain significance. Last evaluated: 2024-11-01. Review status: criteria provided, single submitter. Criteria: CeGaT Center For Human Genetics Tuebingen Variant Classification Criteria Version 2. Collection method: clinical testing. Allele origin: germline. Affected: yes. Observed: 1 variant allele.
Comment: PALB2: PM2, PVS1:Moderate

BRCAlab, Lund University
Classification: Likely pathogenic for Hereditary breast ovarian cancer syndrome. Last evaluated: 2022-08-26. Review status: no assertion criteria provided. Collection method: clinical testing. Allele origin: germline. Affected: yes. Not counted in ClinVar's aggregate classification.